The following is an entry in ClinVar:

ClinVar aggregate classification (germline): Uncertain significance. Review status: criteria provided, multiple submitters, no conflicts (2 of 4 stars). 2 submissions from 2 submitters: Uncertain significance (2). Last evaluated 2024-05-28.

Conditions:
Autoimmune lymphoproliferative syndrome, type III caused by mutation in PRKCD. Identifiers: Orphanet 3261, Orphanet 664711, MedGen C3809928, MONDO:8000024, OMIM 615559.
Inborn genetic diseases. Identifiers: MedGen C0950123, MeSH D030342.

Submissions (2):

Labcorp Genetics (formerly Invitae), Labcorp
Classification: Uncertain significance for Autoimmune lymphoproliferative syndrome, type III caused by mutation in PRKCD. Last evaluated: 2024-05-28. Review status: criteria provided, single submitter. Criteria: Invitae Variant Classification Sherloc (09022015). Collection method: clinical testing. Allele origin: germline.
Comment: This sequence change replaces aspartic acid, which is acidic and polar, with glycine, which is neutral and non-polar, at codon 303 of the PRKCD protein (p.Asp303Gly). This variant is not present in population databases (gnomAD no frequency). This variant has not been reported in the literature in individuals affected with PRKCD-related conditions. ClinVar contains an entry for this variant (Variation ID: 2542710). An algorithm developed to predict the effect of missense changes on protein structure and function (PolyPhen-2) suggests that this variant is likely to be tolerated. In summary, the available evidence is currently insufficient to determine the role of this variant in disease. Therefore, it has been classified as a Variant of Uncertain Significance.

Ambry Genetics
Classification: Uncertain significance for Inborn genetic diseases. Last evaluated: 2023-05-03. Review status: criteria provided, single submitter. Criteria: Ambry Variant Classification Scheme 2023. Collection method: clinical testing. Allele origin: germline.

NM_006254.4(PRKCD):c.908A>G (p.Asp303Gly)

Gene: PRKCD (protein kinase C delta; plus strand). Cytogenetic location: 3p21.1.
Variant type: single nucleotide variant.
Coding change: c.908A>G on transcript NM_006254.4 (MANE Select); coding-DNA position 908, A replaced by G.
Protein change: p.Asp303Gly; replaces aspartic acid 303 with glycine.
Molecular consequence: missense variant.
Genome position (GRCh38, 1-based): chr3:53,185,623, A>G. VCF-style: chr3-53185623-A-G. GRCh37 (hg19) VCF-style: chr3-53219639-A-G.
Other names: c.908A>G, p.Asp303Gly (NM_001316327.2, NM_001354679.2, NM_001354680.2 and 1 more transcripts); c.965A>G, p.Asp322Gly (NM_001354676.2); c.956A>G, p.Asp319Gly (NM_001354678.2); short protein forms D319G, D303G, D322G.
Identifiers: ClinVar variation 2542710 (VCV002542710.4), dbSNP rs2471096793, ClinGen allele CA353220817.